The following is an entry in ClinVar:

ClinVar aggregate classification (germline): Uncertain significance. Review status: reviewed by expert panel (3 of 4 stars). 2 submissions from 2 submitters: Uncertain significance (1). 1 of the submissions does not count toward it. Last evaluated 2025-05-19.

Conditions:
Juvenile retinoschisis (RS1). Also called: X-Linked Juvenile Retinoschisis; X-linked retinoschisis. Identifiers: Orphanet 792, MedGen C3714753, MONDO:0010725, OMIM 312700.

Submissions (2):

ClinGen X-linked Inherited Retinal Disease Variant Curation Expert Panel, ClinGen
Classification: Uncertain significance for Juvenile retinoschisis. Last evaluated: 2025-05-19. Review status: reviewed by expert panel. Criteria: ClinGen X LinkedIRD ACMG Specifications RS1 V1.0.0. Collection method: curation. Allele origin: germline. Inheritance: X-linked inheritance.
Comment: The NM_000330.4(RS1):c.673T>C variant is a stop-loss variant encoding the substitution of a termination codon with Arginine. This variant is absent from hemizygous individuals in gnomAD v4.1.0 (PM2_Supporting). This variant is a stop-loss that disrupts the stop codon at the end of exon 6 and is predicted to result in extension of the RS1 C-terminus by 42 additional amino acids before the occurrence of the next stop codon (PM4_Strong). In summary, this variant is classified as a variant of uncertain significance for X-linked retinoschisis based on the ClinGen X-linked Inherited Retinal Disease Expert Panel Specifications to the ACMG/AMP Variant Interpretation Guidelines for RS1 Version 1.0.0: PM2_supporting and PM4_strong (date of approval 01/24/2025).

Counsyl
Classification: Likely pathogenic for Juvenile retinoschisis. Last evaluated: 2016-11-04. Review status: no assertion criteria provided. Collection method: clinical testing. Allele origin: unknown. Not counted in ClinVar's aggregate classification.

NM_000330.4(RS1):c.673T>C (p.Ter225Arg)

Genes: CDKL5 (cyclin dependent kinase like 5; plus strand), RS1 (retinoschisin 1; minus strand). Cytogenetic location: Xp22.13.
Variant type: single nucleotide variant.
Coding change: c.673T>C on transcript NM_000330.4 (MANE Select); coding-DNA position 673, T replaced by C.
Protein change: p.Ter225Arg.
Molecular consequence: stop lost. On other transcripts: intron variant (2).
Genome position (GRCh38, 1-based): chrX:18,642,006, A>G on the plus strand (T>C on the coding strand, the complement: RS1 is on the minus strand). VCF-style: chrX-18642006-A-G. GRCh37 (hg19) VCF-style: chrX-18660126-A-G.
Other names: *225R; NM_000330.4(RS1):c.673T>C; p.Ter225Arg; c.2714-4001A>G (NM_003159.3, NM_001037343.2).
Identifiers: ClinVar variation 371642 (VCV000371642.6), dbSNP rs1057517433, ClinGen allele CA16042048.